The following is an entry in ClinVar:

NM_052947.4(ALPK2):c.70C>A (p.Pro24Thr)

Gene: ALPK2 (alpha kinase 2; minus strand). Cytogenetic location: 18q21.32.
Variant type: single nucleotide variant.
Coding change: c.70C>A on transcript NM_052947.4 (MANE Select); coding-DNA position 70, C replaced by A.
Protein change: p.Pro24Thr; replaces proline 24 with threonine.
Molecular consequence: missense variant.
Genome position (GRCh38, 1-based): chr18:58,611,728, G>T on the plus strand (C>A on the coding strand, the complement: ALPK2 is on the minus strand). VCF-style: chr18-58611728-G-T. GRCh37 (hg19) VCF-style: chr18-56278960-G-T.
Other names: short protein forms P24T.
Identifiers: ClinVar variation 1757157 (VCV001757157.2), dbSNP rs1250842525, ClinGen allele CA402558007.

ClinVar aggregate classification (germline): Uncertain significance (1 of 4 stars; one submission).

Submission:

Ambry Genetics
Classification: Uncertain significance. Last evaluated: 2022-05-21. Review status: criteria provided, single submitter. Criteria: Ambry Variant Classification Scheme 2023. Collection method: clinical testing. Allele origin: germline.
Comment: The p.P24T variant (also known as c.70C>A), located in coding exon 1 of the ALPK2 gene, results from a C to A substitution at nucleotide position 70. The proline at codon 24 is replaced by threonine, an amino acid with highly similar properties. This amino acid position is conserved. In addition, this alteration is predicted to be tolerated by in silico analysis. Since supporting evidence is limited at this time, the clinical significance of this alteration remains unclear.